The following is an entry in ClinVar:

ClinVar aggregate classification (germline): Uncertain significance (1 of 4 stars; one submission).

Submission:

Labcorp Genetics (formerly Invitae), Labcorp
Classification: Uncertain significance. Last evaluated: 2025-03-24. Review status: criteria provided, single submitter. Criteria: Invitae Variant Classification Sherloc (09022015). Collection method: clinical testing. Allele origin: germline.
Comment: This sequence change replaces tryptophan, which is neutral and slightly polar, with cysteine, which is neutral and slightly polar, at codon 127 of the CLCN7 protein (p.Trp127Cys). This variant is not present in population databases (gnomAD no frequency). This variant has not been reported in the literature in individuals affected with CLCN7-related conditions. Invitae Evidence Modeling of protein sequence and biophysical properties (such as structural, functional, and spatial information, amino acid conservation, physicochemical variation, residue mobility, and thermodynamic stability) indicates that this missense variant is expected to disrupt CLCN7 protein function with a positive predictive value of 95%. In summary, the available evidence is currently insufficient to determine the role of this variant in disease. Therefore, it has been classified as a Variant of Uncertain Significance.

NM_001287.6(CLCN7):c.381G>C (p.Trp127Cys)

Gene: CLCN7 (Cl-/H+ antiporter 7; minus strand). Cytogenetic location: 16p13.3.
Variant type: single nucleotide variant.
Coding change: c.381G>C on transcript NM_001287.6 (MANE Select); coding-DNA position 381, G replaced by C.
Protein change: p.Trp127Cys; replaces tryptophan 127 with cysteine.
Molecular consequence: missense variant.
Genome position (GRCh38, 1-based): chr16:1,460,919, C>G on the plus strand (G>C on the coding strand, the complement: CLCN7 is on the minus strand). VCF-style: chr16-1460919-C-G. GRCh37 (hg19) VCF-style: chr16-1510920-C-G.
Other names: c.309G>C, p.Trp103Cys (NM_001114331.3); short protein forms W103C, W127C.
Identifiers: ClinVar variation 4802821 (VCV004802821.1).
Genomic context (GRCh38, chr16:1,460,919, plus strand): 5'-CACGATGTCAATGAAGCAGGCCACGAGGCCCGTGAGGATCCCAATGAGGGCGCAGATGAC[C>G]CAGCGCTTGATCTCCACCGTCCGGAAGGCCTGCAGGGCGCGGTCAGGGCGAGGGTCAGGC-3'
Protein context (NP_001278.1, residues 117-137): TAFRTVEIKR[Trp127Cys]VICALIGILT